The following is an entry in ClinVar:

ClinVar aggregate classification (germline): Conflicting classifications of pathogenicity. Review status: criteria provided, conflicting classifications (1 of 4 stars). 5 submissions from 5 submitters: Uncertain significance (2); Benign (1); Likely benign (2). Last evaluated 2026-09-01.

Conditions:
Inborn genetic diseases. Identifiers: MedGen C0950123, MeSH D030342.
Nephrotic syndrome, type 3 (NPHS3). Also called: NEPHROTIC SYNDROME, EARLY-ONSET, TYPE 3. Identifiers: Orphanet 656, MedGen C1853124, MONDO:0012546, OMIM 610725.

Allele frequency attached by ClinVar (database versions not stated): 1000 Genomes Project 0.00020; 1000 Genomes Project 30x 0.00047; ExAC 0.00103; gnomAD exomes 0.00105 and 0.00190; gnomAD 0.00107 and 0.00110; TOPMed 0.00129; ESP Exome Variant Server 0.00159.

Submissions (5):

CeGaT Center for Human Genetics Tuebingen
Classification: Likely benign. Last evaluated: 2026-09-01. Review status: criteria provided, single submitter. Criteria: CeGaT Center For Human Genetics Tuebingen Variant Classification Criteria Version 2. Collection method: clinical testing. Allele origin: germline. Affected: yes. Observed: 4 variant alleles.
Comment: PLCE1: BP4, BP7

Labcorp Genetics (formerly Invitae), Labcorp
Classification: Benign. Last evaluated: 2025-09-24. Review status: criteria provided, single submitter. Criteria: Invitae Variant Classification Sherloc (09022015). Collection method: clinical testing. Allele origin: germline.

Ambry Genetics
Classification: Likely benign for Inborn genetic diseases. Last evaluated: 2024-11-23. Review status: criteria provided, single submitter. Criteria: Ambry Variant Classification Scheme 2023. Collection method: clinical testing. Allele origin: germline.

Blueprint Genetics
Classification: Uncertain significance. Last evaluated: 2024-11-11. Review status: criteria provided, single submitter. Criteria: ACMG Guidelines, 2015. Collection method: clinical testing. Allele origin: germline.

Illumina Laboratory Services, Illumina
Classification: Uncertain significance for Nephrotic syndrome, type 3. Last evaluated: 2018-01-13. Review status: criteria provided, single submitter. Criteria: ICSL Variant Classification Criteria 13 December 2019. Collection method: clinical testing. Allele origin: germline.

NM_016341.4(PLCE1):c.642A>T (p.Gly214=)

Gene: PLCE1 (phospholipase C epsilon 1; plus strand). Cytogenetic location: 10q23.33.
Variant type: single nucleotide variant.
Coding change: c.642A>T on transcript NM_016341.4 (MANE Select); coding-DNA position 642, A replaced by T.
Protein change: p.Gly214=; no amino-acid change (glycine 214 retained).
Molecular consequence: synonymous variant.
Genome position (GRCh38, 1-based): chr10:94,031,688, A>T. VCF-style: chr10-94031688-A-T. GRCh37 (hg19) VCF-style: chr10-95791445-A-T.
Other names: c.642A>T, p.Gly214= (NM_001288989.2).
Identifiers: ClinVar variation 301687 (VCV000301687.50), dbSNP rs149064632, ClinGen allele CA5612156.
Genomic context (GRCh38, chr10:94,031,688, plus strand): 5'-CAGAAGAATGTCAGACACTTTCTGTACCCTATCAGAAAACTTAATTTTAGACGATTGTGG[A>T]AATTGTGTACCACTACCTGGGGGTGAGGAGAAGCAAAAGAAAAACTATGTGGCATATACC-3'
Protein context (NP_057425.3, residues 204-224): LSENLILDDC[Gly214=]NCVPLPGGEE